The following is an entry in ClinVar:

ClinVar aggregate classification (germline): Uncertain significance (1 of 4 stars; one submission).

Conditions:
Developmental and epileptic encephalopathy, 54. Also called: HNRNPU-Related Neurodevelopmental Disorder; Epileptic encephalopathy, early infantile, 54. Identifiers: MedGen C4479319, MONDO:0033363, OMIM 617391.

Submission:

Labcorp Genetics (formerly Invitae), Labcorp
Classification: Uncertain significance for Developmental and epileptic encephalopathy, 54. Last evaluated: 2023-06-29. Review status: criteria provided, single submitter. Criteria: Invitae Variant Classification Sherloc (09022015). Collection method: clinical testing. Allele origin: germline.
Comment: Advanced modeling of protein sequence and biophysical properties (such as structural, functional, and spatial information, amino acid conservation, physicochemical variation, residue mobility, and thermodynamic stability) performed at Invitae indicates that this missense variant is expected to disrupt HNRNPU protein function. In summary, the available evidence is currently insufficient to determine the role of this variant in disease. Therefore, it has been classified as a Variant of Uncertain Significance. ClinVar contains an entry for this variant (Variation ID: 2006273). This variant has not been reported in the literature in individuals affected with HNRNPU-related conditions. This variant is not present in population databases (gnomAD no frequency). This sequence change replaces proline, which is neutral and non-polar, with leucine, which is neutral and non-polar, at codon 491 of the HNRNPU protein (p.Pro491Leu).

NM_031844.3(HNRNPU):c.1472C>T (p.Pro491Leu)

Gene: HNRNPU (heterogeneous nuclear ribonucleoprotein U; minus strand). Cytogenetic location: 1q44.
Variant type: single nucleotide variant.
Coding change: c.1472C>T on transcript NM_031844.3 (MANE Select); coding-DNA position 1472, C replaced by T.
Protein change: p.Pro491Leu; replaces proline 491 with leucine.
Molecular consequence: missense variant.
Genome position (GRCh38, 1-based): chr1:244,858,033, G>A on the plus strand (C>T on the coding strand, the complement: HNRNPU is on the minus strand). VCF-style: chr1-244858033-G-A. GRCh37 (hg19) VCF-style: chr1-245021335-G-A.
Other names: c.1415C>T, p.Pro472Leu (NM_004501.3); short protein forms P472L, P491L.
Identifiers: ClinVar variation 2006273 (VCV002006273.4), dbSNP rs2527876713, ClinGen allele CA345491405.
Genomic context (GRCh38, chr1:244,858,033, plus strand): 5'-ATTCAAATGCCACAGTTAAAAAAAAAAAAATCCCTTACTTCACAATCTTTCTTCTCTTCA[G>A]GCCCCTTTGGTCCTCTAACTCGATCCTCTAAGGGGACGTTCTGGATGAAAGTATACTCTT-3'
Protein context (NP_114032.2, residues 481-501): LEDRVRGPKG[Pro491Leu]EEKKDCEVVM